The following is an entry in ClinVar:

NC_000016.10:g.75760912A>G

Gene: TERF2IP (TERF2 interacting protein; plus strand). Cytogenetic location: 16q23.1.
Variant type: single nucleotide variant.
Genome position: GRCh38 VCF-style: chr16-75760912-A-G. GRCh37 (hg19) VCF-style: chr16-75794810-A-G.
Identifiers: ClinVar variation 3905480 (VCV003905480.10).

ClinVar aggregate classification (germline): Likely benign (1 of 4 stars; one submission).

Submission:

CeGaT Center for Human Genetics Tuebingen
Classification: Likely benign. Last evaluated: 2025-05-01. Review status: criteria provided, single submitter. Criteria: CeGaT Center For Human Genetics Tuebingen Variant Classification Criteria Version 2. Collection method: clinical testing. Allele origin: germline. Affected: yes. Observed: 1 variant allele.
Comment: TERF2IP: PM2:Supporting, BP4, BP7